The following is an entry in ClinVar:

ClinVar aggregate classification (germline): Uncertain significance. Review status: criteria provided, multiple submitters, no conflicts (2 of 4 stars). 2 submissions from 2 submitters: Uncertain significance (2). Last evaluated 2023-10-09.

Conditions:
NTHL1-related disorder. Also called: NTHL1-related condition; NTHL1-related conditions.

Submissions (2):

PreventionGenetics, part of Exact Sciences
Classification: Uncertain significance for NTHL1-related condition. Last evaluated: 2023-10-09. Review status: criteria provided, single submitter. Criteria: ACMG Guidelines, 2015. Collection method: clinical testing. Allele origin: germline.
Comment: The NTHL1 c.754A>G variant is predicted to result in the amino acid substitution p.Thr252Ala. To our knowledge, this variant has not been reported in the literature or in a large population database, indicating this variant is rare. It is interpreted as uncertain significance in ClinVar. At this time, the clinical significance of this variant is uncertain due to the absence of conclusive functional and genetic evidence.

Labcorp Genetics (formerly Invitae), Labcorp
Classification: Uncertain significance. Last evaluated: 2019-03-29. Review status: criteria provided, single submitter. Criteria: Invitae Variant Classification Sherloc (09022015). Collection method: clinical testing. Allele origin: germline.
Comment: In summary, the available evidence is currently insufficient to determine the role of this variant in disease. Therefore, it has been classified as a Variant of Uncertain Significance. Algorithms developed to predict the effect of sequence changes on RNA splicing suggest that this variant may create or strengthen a splice site, but this prediction has not been confirmed by published transcriptional studies. Algorithms developed to predict the effect of missense changes on protein structure and function (SIFT, PolyPhen-2, Align-GVGD) all suggest that this variant is likely to be tolerated, but these predictions have not been confirmed by published functional studies and their clinical significance is uncertain. This variant has not been reported in the literature in individuals with NTHL1-related conditions. This variant is not present in population databases (ExAC no frequency). This sequence change replaces threonine with alanine at codon 252 of the NTHL1 protein (p.Thr252Ala). The threonine residue is weakly conserved and there is a small physicochemical difference between threonine and alanine.

NM_002528.7(NTHL1):c.730A>G (p.Thr244Ala)

Gene: NTHL1 (nth like DNA glycosylase 1; minus strand). Cytogenetic location: 16p13.3.
Variant type: single nucleotide variant.
Coding change: c.730A>G on transcript NM_002528.7 (MANE Select); coding-DNA position 730, A replaced by G.
Protein change: p.Thr244Ala; replaces threonine 244 with alanine.
Molecular consequence: missense variant.
Genome position (GRCh38, 1-based): chr16:2,040,194, T>C on the plus strand (A>G on the coding strand, the complement: NTHL1 is on the minus strand). VCF-style: chr16-2040194-T-C. GRCh37 (hg19) VCF-style: chr16-2090195-T-C.
Other names: c.559A>G, p.Thr187Ala (NM_001318193.2); c.400A>G, p.Thr134Ala (NM_001318194.2); short protein forms T134A, T187A, T244A.
Identifiers: ClinVar variation 944180 (VCV000944180.9), dbSNP rs2084243268, ClinGen allele CA394289070.